The following is an entry in ClinVar:

ClinVar aggregate classification (germline): Likely pathogenic (1 of 4 stars; one submission).

Submission:

Labcorp Genetics (formerly Invitae), Labcorp
Classification: Likely pathogenic. Last evaluated: 2020-10-06. Review status: criteria provided, single submitter. Criteria: Invitae Variant Classification Sherloc (09022015). Collection method: clinical testing. Allele origin: germline.
Comment: This variant results in a copy number gain of the genomic region encompassing exon(s) 5-33 of the MYO7A gene. While the exact position of this variant cannot be determined from the data, sub-genic copy number gains are generally in tandem (PMID: 25640679). This variant is predicted to be out-of-frame, and may result in an absent or disrupted protein product. In summary, the currently available evidence indicates that the variant is pathogenic, but additional data are needed to prove that conclusively. Therefore, this variant has been classified as Likely Pathogenic. Loss-of-function variants in MYO7A are known to be pathogenic (PMID: 8900236, 25404053). This variant has not been reported in the literature in individuals with MYO7A-related conditions.

Literature cited by the submitters: PubMed 25640679; PubMed 8900236; PubMed 25404053.

NC_000011.9:g.(?_76866933)_(76908663_?)dup

Gene: MYO7A (myosin VIIA; plus strand). Cytogenetic location: 11q13.5.
Variant type: Duplication.
Identifiers: ClinVar variation 1067417 (VCV001067417.7).